The following is an entry in ClinVar:

NM_000268.4(NF2):c.8G>A (p.Gly3Glu)

Gene: NF2 (NF2, moesin-ezrin-radixin like (MERLIN) tumor suppressor; plus strand). Cytogenetic location: 22q12.2.
Variant type: single nucleotide variant.
Coding change: c.8G>A on transcript NM_000268.4 (MANE Select); coding-DNA position 8, G replaced by A.
Protein change: p.Gly3Glu; replaces glycine 3 with glutamic acid.
Molecular consequence: missense variant. On other transcripts: 5 prime UTR variant (4), non-coding transcript variant (1).
Genome position (GRCh38, 1-based): chr22:29,604,006, G>A. VCF-style: chr22-29604006-G-A. GRCh37 (hg19) VCF-style: chr22-29999995-G-A.
Other names: c.8G>A, p.Gly3Glu (NM_001407063.1, NM_001407064.1, NM_001407066.1 and 15 more transcripts); c.-633G>A (NM_001407065.1); c.-249G>A (NM_001407067.1); c.-223G>A (NM_001407053.1, NM_001407056.1); short protein forms G3E.
Identifiers: ClinVar variation 4861011 (VCV004861011.1).

ClinVar aggregate classification (germline): Uncertain significance (1 of 4 stars; one submission).

Conditions:
Hereditary cancer-predisposing syndrome. Also called: Neoplastic Syndromes, Hereditary; Tumor predisposition; Hereditary Cancer Syndrome; Hereditary neoplastic syndrome. Identifiers: Orphanet 140162, MedGen C0027672, MeSH D009386, MONDO:0015356.

gnomAD v4.1: 8 of 1,584,708 alleles (0.0005%); highest among the groups gnomAD compares: Non-Finnish European, 0.000086%; no homozygotes.

Submission:

Ambry Genetics
Classification: Uncertain significance for Hereditary cancer-predisposing syndrome. Last evaluated: 2026-03-28. Review status: criteria provided, single submitter. Criteria: Ambry Variant Classification Scheme 2023. Collection method: clinical testing. Allele origin: germline.
Comment: The p.G3E variant (also known as c.8G>A), located in coding exon 1 of the NF2 gene, results from a G to A substitution at nucleotide position 8. The glycine at codon 3 is replaced by glutamic acid, an amino acid with similar properties. This amino acid position is highly conserved in available vertebrate species. In addition, the in silico prediction for this alteration is inconclusive. Based on the available evidence, the clinical significance of this variant remains unclear.